The following is an entry in ClinVar:

NM_000126.4(ETFA):c.556G>T (p.Glu186Ter)

Gene: ETFA (electron transfer flavoprotein subunit alpha; minus strand). Cytogenetic location: 15q24.2.
Variant type: single nucleotide variant.
Coding change: c.556G>T on transcript NM_000126.4 (MANE Select); coding-DNA position 556, G replaced by T.
Protein change: p.Glu186Ter; replaces glutamic acid 186 with a stop codon.
Molecular consequence: nonsense.
Genome position (GRCh38, 1-based): chr15:76,286,377, C>A on the plus strand (G>T on the coding strand, the complement: ETFA is on the minus strand). VCF-style: chr15-76286377-C-A. GRCh37 (hg19) VCF-style: chr15-76578718-C-A.
Other names: c.409G>T, p.Glu137Ter (NM_001127716.2); short protein forms E186*, E137*.
Identifiers: ClinVar variation 2021532 (VCV002021532.4), dbSNP rs2543023391, ClinGen allele CA393513341.

ClinVar aggregate classification (germline): Pathogenic (1 of 4 stars; one submission).

Conditions:
Multiple acyl-CoA dehydrogenase deficiency (MADD). Also called: ETHYLMALONIC-ADIPICACIDURIA; GA II; Glutaric acidemia type II; GA 2; Glutaric Acidemia type 2; Glutaric aciduria, type 2. Identifiers: Orphanet 26791, MedGen C0268596, MONDO:0009282, OMIM 231680.

Submission:

Labcorp Genetics (formerly Invitae), Labcorp
Classification: Pathogenic for Multiple acyl-CoA dehydrogenase deficiency. Last evaluated: 2022-08-04. Review status: criteria provided, single submitter. Criteria: Invitae Variant Classification Sherloc (09022015). Collection method: clinical testing. Allele origin: germline.
Comment: For these reasons, this variant has been classified as Pathogenic. This variant has not been reported in the literature in individuals affected with ETFA-related conditions. This variant is not present in population databases (gnomAD no frequency). This sequence change creates a premature translational stop signal (p.Glu186*) in the ETFA gene. It is expected to result in an absent or disrupted protein product. Loss-of-function variants in ETFA are known to be pathogenic (PMID: 16510302, 23785301).

Literature cited by the submitters: PubMed 16510302; PubMed 23785301.